The following is an entry in ClinVar:

NM_001267550.2(TTN):c.104343G>C (p.Gln34781His)

Genes: TTN (titin; minus strand), TTN-AS1 (TTN antisense RNA 1; plus strand). Cytogenetic location: 2q31.2.
Variant type: single nucleotide variant.
Coding change: c.104343G>C on transcript NM_001267550.2 (MANE Select); coding-DNA position 104343, G replaced by C.
Protein change: p.Gln34781His; replaces glutamine 34781 with histidine.
Molecular consequence: missense variant.
Genome position (GRCh38, 1-based): chr2:178,532,272, C>G on the plus strand (G>C on the coding strand, the complement: TTN is on the minus strand). VCF-style: chr2-178532272-C-G. GRCh37 (hg19) VCF-style: chr2-179396999-C-G.
Other names: c.99420G>C, p.Gln33140His (NM_001256850.1); c.77148G>C, p.Gln25716His (NM_003319.4); c.96639G>C, p.Gln32213His (NM_133378.4); c.77523G>C, p.Gln25841His (NM_133432.3); c.77724G>C, p.Gln25908His (NM_133437.4); short protein forms Q32213H, Q34781H, Q25908H, Q25716H, Q25841H, Q33140H.
Identifiers: ClinVar variation 2031504 (VCV002031504.4), dbSNP rs1251278883, ClinGen allele CA349411949.

ClinVar aggregate classification (germline): Uncertain significance (1 of 4 stars; one submission).

Conditions:
Dilated cardiomyopathy 1G (CMD1G). Identifiers: Orphanet 154, MedGen C1858763, MONDO:0011400, OMIM 604145.
Autosomal recessive limb-girdle muscular dystrophy type 2J (LGMDR10). Also called: Limb-girdle muscular dystrophy, type 2J; MUSCULAR DYSTROPHY, LIMB-GIRDLE, AUTOSOMAL RECESSIVE 10. Identifiers: Orphanet 140922, MedGen C1837342, MONDO:0012127, OMIM 608807.

Submission:

Labcorp Genetics (formerly Invitae), Labcorp
Classification: Uncertain significance for Dilated cardiomyopathy 1G; Autosomal recessive limb-girdle muscular dystrophy type 2J. Last evaluated: 2022-10-04. Review status: criteria provided, single submitter. Criteria: Invitae Variant Classification Sherloc (09022015). Collection method: clinical testing. Allele origin: germline.
Comment: In summary, the available evidence is currently insufficient to determine the role of this variant in disease. Therefore, it has been classified as a Variant of Uncertain Significance. This variant is located in the M band of TTN (PMID: 25589632). Variants in this region may be relevant for neuromuscular disorders, but have not been definitively shown to cause cardiomyopathy (PMID: 23975875). Algorithms developed to predict the effect of missense changes on protein structure and function output the following: SIFT: "Not Available"; PolyPhen-2: "Not Available"; Align-GVGD: "Not Available". The histidine amino acid residue is found in multiple mammalian species, which suggests that this missense change does not adversely affect protein function. This variant has not been reported in the literature in individuals affected with TTN-related conditions. This variant is not present in population databases (gnomAD no frequency). This sequence change replaces glutamine, which is neutral and polar, with histidine, which is basic and polar, at codon 34781 of the TTN protein (p.Gln34781His).

Literature cited by the submitters: PubMed 25589632; PubMed 23975875.